The following is an entry in ClinVar:

NM_000188.3(HK1):c.1851C>G (p.Ile617Met)

Gene: HK1 (hexokinase 1; plus strand). Cytogenetic location: 10q22.1.
Variant type: single nucleotide variant.
Coding change: c.1851C>G on transcript NM_000188.3 (MANE Select); coding-DNA position 1851, C replaced by G.
Protein change: p.Ile617Met; replaces isoleucine 617 with methionine.
Molecular consequence: missense variant.
Genome position (GRCh38, 1-based): chr10:69,386,334, C>G. VCF-style: chr10-69386334-C-G. GRCh37 (hg19) VCF-style: chr10-71146090-C-G.
Other names: c.1863C>G, p.Ile621Met (NM_001322364.2, NM_001358263.1, NM_033497.3 and 1 more transcripts); c.1956C>G, p.Ile652Met (NM_001322365.2); c.1767C>G, p.Ile589Met (NM_001322366.1); c.1755C>G, p.Ile585Met (NM_001322367.1); c.1848C>G, p.Ile616Met (NM_033496.3); c.1815C>G, p.Ile605Met (NM_033500.2); short protein forms I585M, I589M, I605M, I616M, I617M, I621M, I652M.
Identifiers: ClinVar variation 1019486 (VCV001019486.8), dbSNP rs1481493279, ClinGen allele CA376912839.

ClinVar aggregate classification (germline): Uncertain significance (1 of 4 stars; one submission).

Allele frequency attached by ClinVar (database versions not stated): gnomAD exomes below 0.00001 and 0.00001; TOPMed below 0.00001; gnomAD 0.00001.
gnomAD v4.1: 8 of 1,613,576 alleles (0.0005%); highest among the groups gnomAD compares: African/African-American, 0.0053%; no homozygotes.

Submission:

Labcorp Genetics (formerly Invitae), Labcorp
Classification: Uncertain significance. Last evaluated: 2025-04-16. Review status: criteria provided, single submitter. Criteria: Invitae Variant Classification Sherloc (09022015). Collection method: clinical testing. Allele origin: germline.
Comment: This sequence change replaces isoleucine, which is neutral and non-polar, with methionine, which is neutral and non-polar, at codon 617 of the HK1 protein (p.Ile617Met). This variant is present in population databases (no rsID available, gnomAD 0.006%). This variant has not been reported in the literature in individuals affected with HK1-related conditions. ClinVar contains an entry for this variant (Variation ID: 1019486). Invitae Evidence Modeling of protein sequence and biophysical properties (such as structural, functional, and spatial information, amino acid conservation, physicochemical variation, residue mobility, and thermodynamic stability) indicates that this missense variant is not expected to disrupt HK1 protein function with a negative predictive value of 80%. In summary, the available evidence is currently insufficient to determine the role of this variant in disease. Therefore, it has been classified as a Variant of Uncertain Significance.